The following is an entry in ClinVar:

NM_000051.4(ATM):c.6153C>T (p.Leu2051=)

Genes: ATM (ATM serine/threonine kinase; plus strand), C11orf65 (chromosome 11 open reading frame 65; minus strand). Cytogenetic location: 11q22.3.
Variant type: single nucleotide variant.
Coding change: c.6153C>T on transcript NM_000051.4 (MANE Select); coding-DNA position 6153, C replaced by T.
Protein change: p.Leu2051=; no amino-acid change (leucine 2051 retained).
Molecular consequence: synonymous variant. On other transcripts: intron variant (2).
Genome position (GRCh38, 1-based): chr11:108,316,068, C>T. VCF-style: chr11-108316068-C-T. GRCh37 (hg19) VCF-style: chr11-108186795-C-T.
Other names: c.6153C>T, p.Leu2051= (NM_001351834.2); c.641-6997G>A (NM_001330368.2); c.*39-6997G>A (NM_001351110.2).
Identifiers: ClinVar variation 230225 (VCV000230225.20), dbSNP rs876658452, ClinGen allele CA10579212.
Genomic context (GRCh38, chr11:108,316,068, plus strand): 5'-TAGACTACGAACATATGAACACGAAGCAATGTGGGGCAAAGCCCTAGTAACATATGACCT[C>T]GAAACAGCAATCCCCTCATCAACACGCCAGGCAGGAATCATTCAGGTACATTTTTTCCCA-3'
Protein context (NP_000042.3, residues 2041-2061): MWGKALVTYD[Leu2051=]ETAIPSSTRQ

ClinVar aggregate classification (germline): Benign/Likely benign. Review status: criteria provided, multiple submitters, no conflicts (2 of 4 stars). 7 submissions from 7 submitters: Benign (1); Likely benign (6). Last evaluated 2026-01-20.

Conditions:
Hereditary cancer-predisposing syndrome. Also called: Neoplastic Syndromes, Hereditary; Hereditary neoplastic syndrome; Tumor predisposition; Hereditary Cancer Syndrome. Identifiers: Orphanet 140162, MedGen C0027672, MeSH D009386, MONDO:0015356.
Familial cancer of breast. Also called: hereditary breast carcinoma; Hereditary breast cancer; BREAST CANCER, FAMILIAL. Identifiers: Orphanet 227535, MedGen C0346153, MONDO:0016419, OMIM 114480. Disease mechanism: loss of function.
Ataxia-telangiectasia syndrome (AT). Also called: Ataxia telangiectasia (A-T); Cerebello-oculocutaneous telangiectasia; Immunodeficiency with ataxia telangiectasia; LOUIS-BAR SYNDROME; AT, COMPLEMENTATION GROUP C; ATAXIA-TELANGIECTASIA, FRESNO VARIANT. Identifiers: Orphanet 100, MedGen C0004135, MONDO:0008840, OMIM 208900.

Allele frequency attached by ClinVar (database versions not stated): gnomAD exomes 0.00001 and 0.00002; TOPMed 0.00001; gnomAD 0.00002.
gnomAD v4.1: 30 of 1,613,932 alleles (0.0019%); highest among the groups gnomAD compares: Non-Finnish European, 0.0024%; no homozygotes.

Submissions (7):

Labcorp Genetics (formerly Invitae), Labcorp
Classification: Likely benign for Ataxia-telangiectasia syndrome. Last evaluated: 2026-01-20. Review status: criteria provided, single submitter. Criteria: Invitae Variant Classification Sherloc (09022015). Collection method: clinical testing. Allele origin: germline.

Center for Genomic Medicine, Rigshospitalet, Copenhagen University Hospital
Classification: Likely benign. Last evaluated: 2025-03-04. Review status: criteria provided, single submitter. Criteria: ACMG Guidelines, 2015. Collection method: clinical testing. Allele origin: germline.

Myriad Genetics, Inc.
Classification: Benign for Familial cancer of breast. Last evaluated: 2024-06-03. Review status: criteria provided, single submitter. Criteria: Myriad Autosomal Dominant, Autosomal Recessive and X-Linked Classification Criteria (2023). Collection method: clinical testing. Allele origin: unknown.
Comment: This variant is considered benign. This variant is a silent/synonymous amino acid change and it is not expected to impact splicing.

Quest Diagnostics Nichols Institute San Juan Capistrano
Classification: Likely benign. Last evaluated: 2021-07-02. Review status: criteria provided, single submitter. Criteria: Quest Diagnostics criteria. Collection method: clinical testing. Allele origin: unknown.

Color Diagnostics, LLC DBA Color Health
Classification: Likely benign for Hereditary cancer-predisposing syndrome. Last evaluated: 2017-08-14. Review status: criteria provided, single submitter. Criteria: ACMG Guidelines, 2015. Collection method: clinical testing. Allele origin: germline.

GeneDx
Classification: Likely benign. Last evaluated: 2015-11-27. Review status: criteria provided, single submitter. Criteria: GeneDx Variant Classification (06012015). Collection method: clinical testing. Allele origin: germline. Affected: yes.
Comment: This variant is considered likely benign or benign based on one or more of the following criteria: it is a conservative change, it occurs at a poorly conserved position in the protein, it is predicted to be benign by multiple in silico algorithms, and/or has population frequency not consistent with disease.

Ambry Genetics
Classification: Likely benign for Hereditary cancer-predisposing syndrome. Last evaluated: 2015-01-23. Review status: criteria provided, single submitter. Criteria: Ambry Variant Classification Scheme 2023. Collection method: clinical testing. Allele origin: germline.

Literature cited by the submitters: PubMed 30287823 (cited by Quest Diagnostics Nichols Institute San Juan Capistrano); PubMed 28779002 (cited by Quest Diagnostics Nichols Institute San Juan Capistrano).